The following is an entry in ClinVar:

NM_182961.4(SYNE1):c.14984G>A (p.Cys4995Tyr)

Gene: SYNE1 (spectrin repeat containing nuclear envelope protein 1; minus strand). Cytogenetic location: 6q25.2.
Variant type: single nucleotide variant.
Coding change: c.14984G>A on transcript NM_182961.4 (MANE Select); coding-DNA position 14984, G replaced by A.
Protein change: p.Cys4995Tyr; replaces cysteine 4995 with tyrosine.
Molecular consequence: missense variant.
Genome position (GRCh38, 1-based): chr6:152,326,605, C>T on the plus strand (G>A on the coding strand, the complement: SYNE1 is on the minus strand). VCF-style: chr6-152326605-C-T. GRCh37 (hg19) VCF-style: chr6-152647740-C-T.
Other names: c.14771G>A, p.Cys4924Tyr (NM_033071.5); short protein forms C4995Y, C4924Y.
Identifiers: ClinVar variation 1437374 (VCV001437374.6), dbSNP rs765800192, ClinGen allele CA4055893.

ClinVar aggregate classification (germline): Uncertain significance. Review status: criteria provided, multiple submitters, no conflicts (2 of 4 stars). 2 submissions from 2 submitters: Uncertain significance (2). Last evaluated 2022-09-13.

Conditions:
Emery-Dreifuss muscular dystrophy 4, autosomal dominant (EDMD4). Also called: EMERY-DREIFUSS MUSCULAR DYSTROPHY 4 WITH VARIABLE FEATURES. Identifiers: Orphanet 261, MedGen C2751807, MONDO:0013071, OMIM 612998.
Autosomal recessive ataxia, Beauce type. Also called: Spinocerebellar ataxia, autosomal recessive 8; ATAXIA, RECESSIVE, OF BEAUCE; SYNE1 Deficiency; SYNE1-Related Autosomal Recessive Cerebellar Ataxia. Identifiers: Orphanet 88644, MedGen C1853116, MONDO:0012549, OMIM 610743.

Allele frequency attached by ClinVar (database versions not stated): gnomAD exomes 0.00006 and 0.00010; ExAC 0.00013; gnomAD 0.00003 and 0.00004; TOPMed 0.00003.
gnomAD v4.1: 97 of 1,613,956 alleles (0.006%); highest among the groups gnomAD compares: Non-Finnish European, 0.0074%; no homozygotes.

Submissions (2):

Clinical Genetics Laboratory, Skane University Hospital Lund
Classification: Uncertain significance. Last evaluated: 2022-09-13. Review status: criteria provided, single submitter. Criteria: ACMG Guidelines, 2015. Collection method: clinical testing. Allele origin: germline. Affected: yes.

Labcorp Genetics (formerly Invitae), Labcorp
Classification: Uncertain significance for Emery-Dreifuss muscular dystrophy 4, autosomal dominant; Autosomal recessive ataxia, Beauce type. Last evaluated: 2022-06-20. Review status: criteria provided, single submitter. Criteria: Invitae Variant Classification Sherloc (09022015). Collection method: clinical testing. Allele origin: germline.
Comment: This sequence change replaces cysteine, which is neutral and slightly polar, with tyrosine, which is neutral and polar, at codon 4924 of the SYNE1 protein (p.Cys4924Tyr). This variant is present in population databases (rs765800192, gnomAD 0.02%). This variant has not been reported in the literature in individuals affected with SYNE1-related conditions. Algorithms developed to predict the effect of missense changes on protein structure and function (SIFT, PolyPhen-2, Align-GVGD) all suggest that this variant is likely to be disruptive. In summary, the available evidence is currently insufficient to determine the role of this variant in disease. Therefore, it has been classified as a Variant of Uncertain Significance.